The following is an entry in ClinVar:

ClinVar aggregate classification (germline): Likely benign (0 of 4 stars; one submission).

Conditions:
ZNF292-related disorder. Also called: ZNF292-related condition.

Allele frequency attached by ClinVar (database versions not stated): TOPMed below 0.00001.

Submission:

PreventionGenetics, part of Exact Sciences
Classification: Likely benign for ZNF292-related condition. Last evaluated: 2022-05-16. Review status: no assertion criteria provided. Collection method: clinical testing. Allele origin: germline.
Comment: This variant is classified as likely benign based on ACMG/AMP sequence variant interpretation guidelines (Richards et al. 2015 PMID: 25741868, with internal and published modifications).

NM_015021.3(ZNF292):c.7500A>G (p.Val2500=)

Gene: ZNF292 (zinc finger protein 292; plus strand). Cytogenetic location: 6q14.3.
Variant type: single nucleotide variant.
Coding change: c.7500A>G on transcript NM_015021.3 (MANE Select); coding-DNA position 7500, A replaced by G.
Protein change: p.Val2500=; no amino-acid change (valine 2500 retained).
Molecular consequence: synonymous variant.
Genome position (GRCh38, 1-based): chr6:87,261,129, A>G. VCF-style: chr6-87261129-A-G. GRCh37 (hg19) VCF-style: chr6-87970847-A-G.
Other names: c.7080A>G, p.Val2360= (NM_001351444.2).
Identifiers: ClinVar variation 3054416 (VCV003054416.2), dbSNP rs1775567554, ClinGen allele CA451346490.